The following is an entry in ClinVar:

NM_015102.5(NPHP4):c.1634G>A (p.Gly545Asp)

Gene: NPHP4 (nephrocystin 4; minus strand). Cytogenetic location: 1p36.31.
Variant type: single nucleotide variant.
Coding change: c.1634G>A on transcript NM_015102.5 (MANE Select); coding-DNA position 1634, G replaced by A.
Protein change: p.Gly545Asp; replaces glycine 545 with aspartic acid.
Molecular consequence: missense variant. On other transcripts: non-coding transcript variant (1).
Genome position (GRCh38, 1-based): chr1:5,905,761, C>T on the plus strand (G>A on the coding strand, the complement: NPHP4 is on the minus strand). VCF-style: chr1-5905761-C-T. GRCh37 (hg19) VCF-style: chr1-5965821-C-T.
Other names: c.1634G>A (NM_015102.3); c.95G>A, p.Gly32Asp (NM_001291593.2); c.98G>A, p.Gly33Asp (NM_001291594.2); short protein forms G32D, G545D, G33D.
Identifiers: ClinVar variation 847939 (VCV000847939.13), dbSNP rs200800785, ClinGen allele CA554417.

ClinVar aggregate classification (germline): Conflicting classifications of pathogenicity. Review status: criteria provided, conflicting classifications (1 of 4 stars). 5 submissions from 5 submitters: Uncertain significance (4); Likely benign (1). Last evaluated 2025-07-01.

Conditions:
Inborn genetic diseases. Identifiers: MedGen C0950123, MeSH D030342.
Senior-Loken syndrome 4 (SLSN4). Identifiers: Orphanet 3156, MedGen C1846979, MONDO:0011756, OMIM 606996.
Nephronophthisis 4 (NPHP4). Also called: NEPHRONOPHTHISIS 4, JUVENILE. Identifiers: Orphanet 655, MedGen C1847013, MONDO:0011752, OMIM 606966.
NPHP4-related disorder. Also called: NPHP4-related condition; NPHP4-related disorders. Identifiers: MedGen CN239384.
Nephronophthisis. Also called: Juvenile Nephronophthisis. Identifiers: Orphanet 655, MedGen C0687120, MONDO:0019005, HP:0000090.

Allele frequency attached by ClinVar (database versions not stated): gnomAD 0.00004 and 0.00007; ESP Exome Variant Server 0.00008; TOPMed 0.00009; gnomAD exomes 0.00016; ExAC 0.00023.
gnomAD v4.1: 131 of 1,610,606 alleles (0.0081%); highest among the groups gnomAD compares: South Asian, 0.073%; 1 homozygote.

Submissions (5):

Ambry Genetics
Classification: Uncertain significance for Inborn genetic diseases. Last evaluated: 2025-07-01. Review status: criteria provided, single submitter. Criteria: Ambry Variant Classification Scheme 2023. Collection method: clinical testing. Allele origin: germline.

PreventionGenetics, part of Exact Sciences
Classification: Uncertain significance for NPHP4-related condition. Last evaluated: 2025-02-04. Review status: criteria provided, single submitter. Criteria: ACMG Guidelines, 2015. Collection method: clinical testing. Allele origin: germline.
Comment: The NPHP4 c.1634G>A variant is predicted to result in the amino acid substitution p.Gly545Asp. To our knowledge, this variant has not been reported in the literature. This variant is reported in 0.095% of alleles in individuals of South Asian descent in gnomAD. Although we suspect that this variant may be benign, at this time, the clinical significance of this variant is uncertain due to the absence of conclusive functional and genetic evidence.

Blueprint Genetics
Classification: Likely benign. Last evaluated: 2024-08-12. Review status: criteria provided, single submitter. Criteria: ACMG Guidelines, 2015. Collection method: clinical testing. Allele origin: germline.

Labcorp Genetics (formerly Invitae), Labcorp
Classification: Uncertain significance for Nephronophthisis. Last evaluated: 2024-06-24. Review status: criteria provided, single submitter. Criteria: Invitae Variant Classification Sherloc (09022015). Collection method: clinical testing. Allele origin: germline.
Comment: This sequence change replaces glycine, which is neutral and non-polar, with aspartic acid, which is acidic and polar, at codon 545 of the NPHP4 protein (p.Gly545Asp). This variant is present in population databases (rs200800785, gnomAD 0.09%). This variant has not been reported in the literature in individuals affected with NPHP4-related conditions. ClinVar contains an entry for this variant (Variation ID: 847939). Advanced modeling of protein sequence and biophysical properties (such as structural, functional, and spatial information, amino acid conservation, physicochemical variation, residue mobility, and thermodynamic stability) performed at Invitae indicates that this missense variant is not expected to disrupt NPHP4 protein function with a negative predictive value of 80%. In summary, the available evidence is currently insufficient to determine the role of this variant in disease. Therefore, it has been classified as a Variant of Uncertain Significance.

Fulgent Genetics
Classification: Uncertain significance for Nephronophthisis 4; Senior-Loken syndrome 4. Last evaluated: 2022-01-08. Review status: criteria provided, single submitter. Criteria: ACMG Guidelines, 2015. Collection method: clinical testing. Allele origin: unknown.